The following is an entry in ClinVar:

NM_001110556.2(FLNA):c.3459C>T (p.His1153=)

Gene: FLNA (filamin A; minus strand). Cytogenetic location: Xq28.
Variant type: single nucleotide variant.
Coding change: c.3459C>T on transcript NM_001110556.2 (MANE Select); coding-DNA position 3459, C replaced by T.
Protein change: p.His1153=; no amino-acid change (histidine 1153 retained).
Molecular consequence: synonymous variant.
Genome position (GRCh38, 1-based): chrX:154,360,336, G>A on the plus strand (C>T on the coding strand, the complement: FLNA is on the minus strand). VCF-style: chrX-154360336-G-A. GRCh37 (hg19) VCF-style: chrX-153588704-G-A.
Other names: c.3459C>T, p.His1153= (NM_001456.4).
Identifiers: ClinVar variation 389149 (VCV000389149.6), dbSNP rs1057523340, ClinGen allele CA16608778.
Genomic context (GRCh38, chrX:154,360,336, plus strand): 5'-GGCCCGCTCCAGCCCGGGGCCTGAGCACTTGACTTTGGATGCGTCAAAGCAGGGAACCAC[G>A]TGGGCCTTGAATGGGGAGCCAGGGATGTGGGTGTCAGCGAAGAGGATGTTGATGTTGTAG-3'
Protein context (NP_001104026.1, residues 1143-1163): THIPGSPFKA[His1153=]VVPCFDASKV

ClinVar aggregate classification (germline): Likely benign. Review status: criteria provided, multiple submitters, no conflicts (2 of 4 stars). 3 submissions from 3 submitters: Likely benign (3). Last evaluated 2025-11-27.

Conditions:
Oto-palato-digital syndrome, type II (OPD2). Also called: FACIOPALATOOSSEOUS SYNDROME; OPD II SYNDROME; Otopalatodigital Syndrome Type 2 (FLNA-OPD2); Otopalatodigital Syndrome, Type II. Identifiers: Orphanet 669, Orphanet 90652, MedGen C1844696, MONDO:0010571, OMIM 304120.
Heterotopia, periventricular, X-linked dominant (PVNH1). Also called: PERIVENTRICULAR NODULAR HETEROTOPIA 1; X-linked periventricular heterotopia; PERIVENTRICULAR NODULAR HETEROTOPIA 4; HETEROTOPIA, PERIVENTRICULAR, 1. Identifiers: Orphanet 2149, Orphanet 82004, MedGen C1848213, MONDO:0010233, OMIM 300049.
Frontometaphyseal dysplasia (FMD1). Identifiers: Orphanet 1826, MedGen C0265293, MONDO:0015942.
Melnick-Needles syndrome (MNS). Also called: MELNICK-NEEDLES OSTEODYSPLASTY; OSTEODYSPLASTY OF MELNICK AND NEEDLES; Melnick-Needles Syndrome (FLNA-MNS). Identifiers: Orphanet 2484, MedGen C0025237, MONDO:0010650, OMIM 309350.
Familial thoracic aortic aneurysm and aortic dissection (TAAD). Also called: Thoracic aortic aneurysms and dissections. Identifiers: Orphanet 91387, MedGen C4707243, MONDO:0019625.

Allele frequency attached by ClinVar (database versions not stated): gnomAD exomes 0.00001.
gnomAD v4.1: 3 of 1,211,737 alleles (0.00025%); highest among the groups gnomAD compares: Admixed American, 0.0022%; no homozygotes.

Submissions (3):

Labcorp Genetics (formerly Invitae), Labcorp
Classification: Likely benign for Oto-palato-digital syndrome, type II; Heterotopia, periventricular, X-linked dominant; Frontometaphyseal dysplasia; Melnick-Needles syndrome. Last evaluated: 2025-11-27. Review status: criteria provided, single submitter. Criteria: Invitae Variant Classification Sherloc (09022015). Collection method: clinical testing. Allele origin: germline.

Ambry Genetics
Classification: Likely benign for Familial thoracic aortic aneurysm and aortic dissection. Last evaluated: 2019-10-20. Review status: criteria provided, single submitter. Criteria: Ambry Variant Classification Scheme 2023. Collection method: clinical testing. Allele origin: germline.

GeneDx
Classification: Likely benign. Last evaluated: 2016-09-07. Review status: criteria provided, single submitter. Criteria: GeneDx Variant Classification (06012015). Collection method: clinical testing. Allele origin: germline. Affected: yes.
Comment: This variant is considered likely benign or benign based on one or more of the following criteria: it is a conservative change, it occurs at a poorly conserved position in the protein, it is predicted to be benign by multiple in silico algorithms, and/or has population frequency not consistent with disease.